The following is an entry in ClinVar:

NM_015030.2(FRYL):c.3253A>G (p.Ser1085Gly)

Gene: FRYL (FRY like transcription coactivator; minus strand). Cytogenetic location: 4p11.
Variant type: single nucleotide variant.
Coding change: c.3253A>G on transcript NM_015030.2 (MANE Select); coding-DNA position 3253, A replaced by G.
Protein change: p.Ser1085Gly; replaces serine 1085 with glycine.
Molecular consequence: missense variant.
Genome position (GRCh38, 1-based): chr4:48,565,608, T>C on the plus strand (A>G on the coding strand, the complement: FRYL is on the minus strand). VCF-style: chr4-48565608-T-C. GRCh37 (hg19) VCF-style: chr4-48567625-T-C.
Other names: short protein forms S1085G.
Identifiers: ClinVar variation 4281931 (VCV004281931.1).

ClinVar aggregate classification (germline): Uncertain significance (1 of 4 stars; one submission).

gnomAD v4.1: 2 of 1,613,956 alleles (0.00012%); highest among the groups gnomAD compares: Non-Finnish European, 0.00017%; no homozygotes.

Submission:

GeneDx
Classification: Uncertain significance. Last evaluated: 2025-04-09. Review status: criteria provided, single submitter. Criteria: GeneDx Variant Classification Process June 2021. Collection method: clinical testing. Allele origin: germline. Affected: yes.
Comment: Not observed at significant frequency in large population cohorts (gnomAD); In silico analysis indicates that this missense variant does not alter protein structure/function; Has not been previously published as pathogenic or benign to our knowledge